The following is an entry in ClinVar:

NM_153026.3(PRICKLE1):c.1901_1902delinsGC (p.Ser634Cys)

Gene: PRICKLE1 (prickle planar cell polarity protein 1; minus strand). Cytogenetic location: 12q12.
Variant type: Indel.
Coding change: c.1901_1902delinsGC on transcript NM_153026.3 (MANE Select); coding-DNA positions 1901 to 1902, CT replaced by GC.
Protein change: p.Ser634Cys; replaces serine 634 with cysteine.
Molecular consequence: missense variant.
Genome position (GRCh38, 1-based): chr12:42,460,403-42,460,404, AG replaced by GC on the plus strand (CT replaced by GC on the coding strand, the reverse complement: PRICKLE1 is on the minus strand). VCF-style: chr12-42460403-AG-GC. GRCh37 (hg19) VCF-style: chr12-42854205-AG-GC.
Other names: c.1901_1902delinsGC, p.Ser634Cys (NM_001144881.2, NM_001144882.2, NM_001144883.2); short protein forms S634C.
Identifiers: ClinVar variation 1713481 (VCV001713481.5), dbSNP rs2503376936, ClinGen allele CA2580085440.

ClinVar aggregate classification (germline): Uncertain significance (1 of 4 stars; one submission).

Conditions:
Epilepsy, progressive myoclonic, 1B. Also called: PME. Identifiers: Orphanet 308, MedGen C2676254, MONDO:0012904, OMIM 612437.

Submission:

Labcorp Genetics (formerly Invitae), Labcorp
Classification: Uncertain significance for Epilepsy, progressive myoclonic, 1B. Last evaluated: 2022-07-23. Review status: criteria provided, single submitter. Criteria: Invitae Variant Classification Sherloc (09022015). Collection method: clinical testing. Allele origin: germline.
Comment: In summary, the available evidence is currently insufficient to determine the role of this variant in disease. Therefore, it has been classified as a Variant of Uncertain Significance. Algorithms developed to predict the effect of missense changes on protein structure and function are either unavailable or do not agree on the potential impact of this missense change (SIFT: "Not Available"; PolyPhen-2: "Probably Damaging"; Align-GVGD: "Not Available"). This variant has not been reported in the literature in individuals affected with PRICKLE1-related conditions. Information on the frequency of this variant in the gnomAD database is not available, as this variant may be reported differently in the database. This sequence change replaces serine, which is neutral and polar, with cysteine, which is neutral and slightly polar, at codon 634 of the PRICKLE1 protein (p.Ser634Cys).